The following is an entry in ClinVar:

NM_016156.6(MTMR2):c.304C>T (p.Arg102Ter)

Gene: MTMR2 (myotubularin related protein 2; minus strand). Cytogenetic location: 11q21.
Variant type: single nucleotide variant.
Coding change: c.304C>T on transcript NM_016156.6 (MANE Select); coding-DNA position 304, C replaced by T.
Protein change: p.Arg102Ter; replaces arginine 102 with a stop codon.
Molecular consequence: nonsense.
Genome position (GRCh38, 1-based): chr11:95,862,325, G>A on the plus strand (C>T on the coding strand, the complement: MTMR2 is on the minus strand). VCF-style: chr11-95862325-G-A. GRCh37 (hg19) VCF-style: chr11-95595489-G-A.
Other names: p.Arg102Ter; c.88C>T, p.Arg30Ter (NM_001243571.2, NM_201278.3, NM_201281.3); short protein forms R102*, R30*.
Identifiers: ClinVar variation 1803781 (VCV001803781.5), dbSNP rs115506357, ClinGen allele CA226612363.

ClinVar aggregate classification (germline): Pathogenic/Likely pathogenic. Review status: criteria provided, multiple submitters, no conflicts (2 of 4 stars). 2 submissions from 2 submitters: Pathogenic (1); Likely pathogenic (1). Last evaluated 2025-09-15.

Conditions:
Charcot-Marie-Tooth disease type 4B1. Also called: CHARCOT-MARIE-TOOTH DISEASE, AUTOSOMAL RECESSIVE, WITH FOCALLY FOLDED MYELIN SHEATHS, AUTOSOMAL RECESSIVE, TYPE 4B1; CHARCOT-MARIE-TOOTH DISEASE, TYPE 4B; CHARCOT-MARIE-TOOTH DISEASE, DEMYELINATING, TYPE 4B1; Charcot-Marie-Tooth Neuropathy Type 4B1. Identifiers: Orphanet 99955, MedGen C1832399, MONDO:0011066, OMIM 601382.

Allele frequency attached by ClinVar (database versions not stated): gnomAD exomes below 0.00001; gnomAD 0.00001.

Submissions (2):

First Genomix Gene Laboratory, Genetic Diagnostics Department
Classification: Likely pathogenic for Charcot-Marie-Tooth disease type 4B1. Last evaluated: 2025-09-15. Review status: criteria provided, single submitter. Criteria: ACMG Guidelines, 2015. Collection method: clinical testing. Allele origin: germline. Inheritance: Autosomal recessive inheritance. Affected: no. Observed: 1 variant allele.

Foundation for Research in Genetics and Endocrinology, FRIGE's Institute of Human Genetics
Classification: Pathogenic for Charcot-Marie-Tooth disease type 4B1. Last evaluated: 2021-09-01. Review status: criteria provided, single submitter. Criteria: ACMG Guidelines, 2015. Collection method: research. Allele origin: biparental. Inheritance: Autosomal recessive inheritance. Affected: yes. Observed: 1 homozygote.
Comment: A homozygous nonsense variation in exon 4 of the MTMR2 gene that results in premature truncation of the Arginine at codon 102 was dentified. The observed variant c.304C>T(p.Arg102Ter) has not been reported in the 1000 genomes and has a MAF of 0.001% in the gnomAD databases. The in silico prediction of the variant are damaging by DANN, LRT and MutationTaster2. The reference codon is conserved across species. Segregation analysis showed this variant to be inherited in trans. In summary, the variant meets our criteria to be classified as a likely pathogenic variant.